The following is an entry in ClinVar:

ClinVar aggregate classification (germline): Conflicting classifications of pathogenicity. Review status: criteria provided, conflicting classifications (1 of 4 stars). 3 submissions from 3 submitters: Uncertain significance (2); Likely benign (1). Last evaluated 2025-03-21.

Conditions:
Inborn genetic diseases. Identifiers: MedGen C0950123, MeSH D030342.

Allele frequency attached by ClinVar (database versions not stated): ExAC 0.00003; gnomAD 0.00003.
gnomAD v4.1: 86 of 1,613,532 alleles (0.0053%); highest among the groups gnomAD compares: Admixed American, 0.0067%; no homozygotes.

Submissions (3):

Women's Health and Genetics/Laboratory Corporation of America, LabCorp
Classification: Uncertain significance. Last evaluated: 2025-03-21. Review status: criteria provided, single submitter. Criteria: LabCorp Variant Classification Summary - May 2015. Collection method: clinical testing. Allele origin: germline.
Comment: Variant summary: VWF c.1472G>A (p.Arg491His) results in a non-conservative amino acid change in the encoded protein sequence. Three of five in-silico tools predict a benign effect of the variant on protein function. The variant allele was found at a frequency of 4.4e-05 in 250330 control chromosomes. This frequency is not significantly higher than estimated for a pathogenic variant in VWF causing Von Willebrand Disease, allowing no conclusion about variant significance. To our knowledge, no occurrence of c.1472G>A in individuals affected with Von Willebrand Disease and no experimental evidence demonstrating its impact on protein function have been reported. ClinVar contains an entry for this variant (Variation ID: 2521240). Based on the evidence outlined above, the variant was classified as uncertain significance.

Mayo Clinic Laboratories, Mayo Clinic
Classification: Uncertain significance. Last evaluated: 2023-09-21. Review status: criteria provided, single submitter. Criteria: ACMG Guidelines, 2015. Collection method: clinical testing. Allele origin: germline. Observed: 1 variant allele.
Comment: BP4, PM1

Ambry Genetics
Classification: Likely benign for Inborn genetic diseases. Last evaluated: 2023-05-02. Review status: criteria provided, single submitter. Criteria: Ambry Variant Classification Scheme 2023. Collection method: clinical testing. Allele origin: germline.

Literature cited by the submitters: PubMed 28971901 (cited by Mayo Clinic Laboratories, Mayo Clinic).

NM_000552.5(VWF):c.1472G>A (p.Arg491His)

Gene: VWF (von Willebrand factor; minus strand). Cytogenetic location: 12p13.31.
Variant type: single nucleotide variant.
Coding change: c.1472G>A on transcript NM_000552.5 (MANE Select); coding-DNA position 1472, G replaced by A.
Protein change: p.Arg491His; replaces arginine 491 with histidine.
Molecular consequence: missense variant.
Genome position (GRCh38, 1-based): chr12:6,063,015, C>T on the plus strand (G>A on the coding strand, the complement: VWF is on the minus strand). VCF-style: chr12-6063015-C-T. GRCh37 (hg19) VCF-style: chr12-6172181-C-T.
Other names: p.Arg491His; c.1472G>A (NM_000552.4); short protein forms R491H.
Identifiers: ClinVar variation 2521240 (VCV002521240.4), dbSNP rs553537150, ClinGen allele CA6403385.
Genomic context (GRCh38, chr12:6,063,015, plus strand): 5'-TTCACCAGCAGCCTCCCGCGGCCATCCCAGTCCATCTGCAGGTCCTCCCCGTAGCTGAGG[C>T]GCACGGAGGCCGTCACTGTATGCTGGATGCGGAGGTCACCTGGAACCCAGCAGGACAGGA-3'
Protein context (NP_000543.3, residues 481-501): RIQHTVTASV[Arg491His]LSYGEDLQMD